The following is an entry in ClinVar:

NM_005619.5(RTN2):c.1192C>T (p.Arg398Cys)

Genes: OPA3-RTN2 (OPA3-RTN2 readthrough; minus strand), RTN2 (reticulon 2; minus strand). Cytogenetic location: 19q13.32.
Variant type: single nucleotide variant.
Coding change: c.1192C>T on transcript NM_005619.5 (MANE Select); coding-DNA position 1192, C replaced by T.
Protein change: p.Arg398Cys; replaces arginine 398 with cysteine.
Molecular consequence: missense variant.
Genome position (GRCh38, 1-based): chr19:45,489,395, G>A on the plus strand (C>T on the coding strand, the complement: RTN2 is on the minus strand). VCF-style: chr19-45489395-G-A. GRCh37 (hg19) VCF-style: chr19-45992653-G-A.
Other names: p.Arg398Cys; c.973C>T, p.Arg325Cys (NM_206900.3); c.172C>T, p.Arg58Cys (NM_206901.3); short protein forms R325C, R398C, R58C.
Identifiers: ClinVar variation 4542353 (VCV004542353.2).

ClinVar aggregate classification (germline): Uncertain significance. Review status: criteria provided, multiple submitters, no conflicts (2 of 4 stars). 2 submissions from 2 submitters: Uncertain significance (2). Last evaluated 2025-06-08.

Conditions:
Spastic paraplegia. Identifiers: MedGen C0037772, HP:0001258.

Submissions (2):

Labcorp Genetics (formerly Invitae), Labcorp
Classification: Uncertain significance for Spastic paraplegia. Last evaluated: 2025-06-08. Review status: criteria provided, single submitter. Criteria: Invitae Variant Classification Sherloc (09022015). Collection method: clinical testing. Allele origin: germline.
Comment: This sequence change replaces arginine, which is basic and polar, with cysteine, which is neutral and slightly polar, at codon 398 of the RTN2 protein (p.Arg398Cys). The frequency data for this variant in the population databases is considered unreliable, as metrics indicate poor data quality at this position in the gnomAD database. This variant has not been reported in the literature in individuals affected with RTN2-related conditions. An algorithm developed to predict the effect of missense changes on protein structure and function (PolyPhen-2) suggests that this variant is likely to be tolerated. In summary, the available evidence is currently insufficient to determine the role of this variant in disease. Therefore, it has been classified as a Variant of Uncertain Significance.

Mayo Clinic Laboratories, Mayo Clinic
Classification: Uncertain significance. Last evaluated: 2025-05-19. Review status: criteria provided, single submitter. Criteria: ACMG Guidelines, 2015. Collection method: clinical testing. Allele origin: germline. Observed: 1 variant allele.
Comment: BP4_moderate